The following is an entry in ClinVar:

NM_000214.3(JAG1):c.2939G>C (p.Cys980Ser)

Gene: JAG1 (jagged canonical Notch ligand 1; minus strand). Cytogenetic location: 20p12.2.
Variant type: single nucleotide variant.
Coding change: c.2939G>C on transcript NM_000214.3 (MANE Select); coding-DNA position 2939, G replaced by C.
Protein change: p.Cys980Ser; replaces cysteine 980 with serine.
Molecular consequence: missense variant.
Genome position (GRCh38, 1-based): chr20:10,641,222, C>G on the plus strand (G>C on the coding strand, the complement: JAG1 is on the minus strand). VCF-style: chr20-10641222-C-G. GRCh37 (hg19) VCF-style: chr20-10621870-C-G.
Other names: short protein forms C980S.
Identifiers: ClinVar variation 1315864 (VCV001315864.4), dbSNP rs2122595886, ClinGen allele CA408244627.

ClinVar aggregate classification (germline): Uncertain significance (1 of 4 stars; one submission).

Submission:

GeneDx
Classification: Uncertain significance. Last evaluated: 2026-08-25. Review status: criteria provided, single submitter. Criteria: GeneDx Variant Classification Process June 2021. Collection method: clinical testing. Allele origin: germline.
Comment: In silico analysis supports that this missense variant has a deleterious effect on protein structure/function; Not observed at significant frequency in large population cohorts (gnomAD); Has not been previously published as pathogenic or benign to our knowledge